The following is an entry in ClinVar:

NM_007254.4(PNKP):c.826G>A (p.Gly276Ser)

Gene: PNKP (polynucleotide kinase 3'-phosphatase; minus strand). Cytogenetic location: 19q13.33.
Variant type: single nucleotide variant.
Coding change: c.826G>A on transcript NM_007254.4 (MANE Select); coding-DNA position 826, G replaced by A.
Protein change: p.Gly276Ser; replaces glycine 276 with serine.
Molecular consequence: missense variant.
Genome position (GRCh38, 1-based): chr19:49,862,729, C>T on the plus strand (G>A on the coding strand, the complement: PNKP is on the minus strand). VCF-style: chr19-49862729-C-T. GRCh37 (hg19) VCF-style: chr19-50365986-C-T.
Other names: short protein forms G276S.
Identifiers: ClinVar variation 1203163 (VCV001203163.8), dbSNP rs746254179, ClinGen allele CA406882433.

ClinVar aggregate classification (germline): Uncertain significance. Review status: criteria provided, multiple submitters, no conflicts (2 of 4 stars). 2 submissions from 2 submitters: Uncertain significance (2). Last evaluated 2022-06-26.

Conditions:
Developmental and epileptic encephalopathy, 12 (DEE12). Identifiers: MedGen C3150988, MONDO:0013389, OMIM 613722.

Allele frequency attached by ClinVar (database versions not stated): TOPMed 0.00001.
gnomAD v4.1: 6 of 1,613,980 alleles (0.00037%); highest among the groups gnomAD compares: East Asian, 0.0067%; no homozygotes.

Submissions (2):

Labcorp Genetics (formerly Invitae), Labcorp
Classification: Uncertain significance for Developmental and epileptic encephalopathy, 12. Last evaluated: 2022-06-26. Review status: criteria provided, single submitter. Criteria: Invitae Variant Classification Sherloc (09022015). Collection method: clinical testing. Allele origin: germline.
Comment: This sequence change replaces glycine, which is neutral and non-polar, with serine, which is neutral and polar, at codon 276 of the PNKP protein (p.Gly276Ser). This variant is present in population databases (no rsID available, gnomAD 0.01%). This variant has not been reported in the literature in individuals affected with PNKP-related conditions. ClinVar contains an entry for this variant (Variation ID: 1203163). Algorithms developed to predict the effect of missense changes on protein structure and function are either unavailable or do not agree on the potential impact of this missense change (SIFT: "Tolerated"; PolyPhen-2: "Possibly Damaging"; Align-GVGD: "Class C0"). In summary, the available evidence is currently insufficient to determine the role of this variant in disease. Therefore, it has been classified as a Variant of Uncertain Significance.

GeneDx
Classification: Uncertain significance. Last evaluated: 2019-03-22. Review status: criteria provided, single submitter. Criteria: GeneDx Variant Classification Process June 2021. Collection method: clinical testing. Allele origin: germline. Affected: yes.
Comment: Not observed at a significant frequency in large population cohorts (Lek et al., 2016); In silico analysis, which includes protein predictors and evolutionary conservation, supports a deleterious effect; Has not been previously published as pathogenic or benign to our knowledge